The following is an entry in ClinVar:

NM_001009944.3(PKD1):c.10764G>T (p.Trp3588Cys)

Genes: PKD1 (polycystin 1, transient receptor potential channel interacting; minus strand), PKD1-AS1 (PKD1 antisense RNA 1; plus strand). Cytogenetic location: 16p13.3.
Variant type: single nucleotide variant.
Coding change: c.10764G>T on transcript NM_001009944.3 (MANE Select); coding-DNA position 10764, G replaced by T.
Protein change: p.Trp3588Cys; replaces tryptophan 3588 with cysteine.
Molecular consequence: missense variant.
Genome position (GRCh38, 1-based): chr16:2,093,868, C>A on the plus strand (G>T on the coding strand, the complement: PKD1 is on the minus strand). VCF-style: chr16-2093868-C-A. GRCh37 (hg19) VCF-style: chr16-2143869-C-A.
Other names: c.10761G>T, p.Trp3587Cys (NM_000296.4); short protein forms W3587C, W3588C.
Identifiers: ClinVar variation 1048976 (VCV001048976.1), dbSNP rs2151708577, ClinGen allele CA394340065.

ClinVar aggregate classification (germline): Uncertain significance (0 of 4 stars; one submission).

Submission:

Department of Pathology and Laboratory Medicine, Sinai Health System
Classification: Uncertain significance. Review status: no assertion criteria provided. Collection method: clinical testing. Allele origin: unknown. Affected: yes. Study: The Canadian Open Genetics Repository (COGR).
Comment: The PKD1 p.Trp3588Cys variant was not identified in the literature nor was it identified in dbSNP, ClinVar, LOVD 3.0, ADPKD Mutation Database or PKD1-LOVD. The variant was also not identified in the following control databases: the 1000 Genomes Project, the NHLBI GO Exome Sequencing Project, the Exome Aggregation Consortium (August 8th 2016), or the Genome Aggregation Database (Feb 27, 2017). The variant occurs outside of the splicing consensus sequence and in silico or computational prediction software programs (SpliceSiteFinder, MaxEntScan, NNSPLICE, GeneSplicer) do not predict a difference in splicing at the variant location. The p.Trp3588 residue is conserved across mammals and other organisms, and computational analyses (PolyPhen-2, SIFT, AlignGVGD, BLOSUM, MutationTaster) suggest that the variant may impact the protein; however, this information is not predictive enough to assume pathogenicity. In summary, based on the above information the clinical significance of this variant cannot be determined with certainty at this time. This variant is classified as a variant of uncertain significance.